The following is an entry in ClinVar:

ClinVar aggregate classification (germline): Uncertain significance (1 of 4 stars; one submission).

Conditions:
Dilated cardiomyopathy 1G (CMD1G). Identifiers: Orphanet 154, MedGen C1858763, MONDO:0011400, OMIM 604145.
Autosomal recessive limb-girdle muscular dystrophy type 2J (LGMDR10). Also called: Limb-girdle muscular dystrophy, type 2J; MUSCULAR DYSTROPHY, LIMB-GIRDLE, AUTOSOMAL RECESSIVE 10. Identifiers: Orphanet 140922, MedGen C1837342, MONDO:0012127, OMIM 608807.

gnomAD v4.1: 4 of 1,610,236 alleles (0.00025%); highest among the groups gnomAD compares: South Asian, 0.0011%; no homozygotes.

Submission:

Labcorp Genetics (formerly Invitae), Labcorp
Classification: Uncertain significance for Dilated cardiomyopathy 1G; Autosomal recessive limb-girdle muscular dystrophy type 2J. Last evaluated: 2024-03-31. Review status: criteria provided, single submitter. Criteria: Invitae Variant Classification Sherloc (09022015). Collection method: clinical testing. Allele origin: germline.
Comment: This sequence change replaces glutamic acid, which is acidic and polar, with lysine, which is basic and polar, at codon 33902 of the TTN protein (p.Glu33902Lys). This variant is present in population databases (no rsID available, gnomAD 0.007%). This variant has not been reported in the literature in individuals affected with TTN-related conditions. Experimental studies and prediction algorithms are not available or were not evaluated, and the functional significance of this variant is currently unknown. This variant is located in the M band of TTN (PMID: 25589632). Non-truncating variants in this region may be relevant for neuromuscular disorders, but have not been definitively shown to cause cardiomyopathy (PMID: 23975875). In summary, the available evidence is currently insufficient to determine the role of this variant in disease. Therefore, it has been classified as a Variant of Uncertain Significance.

Literature cited by the submitters: PubMed 25589632; PubMed 23975875.

NM_001267550.2(TTN):c.101704G>A (p.Glu33902Lys)

Genes: TTN-AS1 (TTN antisense RNA 1; plus strand), TTN (titin; minus strand). Cytogenetic location: 2q31.2.
Variant type: single nucleotide variant.
Coding change: c.101704G>A on transcript NM_001267550.2 (MANE Select); coding-DNA position 101704, G replaced by A.
Protein change: p.Glu33902Lys; replaces glutamic acid 33902 with lysine.
Molecular consequence: missense variant.
Genome position (GRCh38, 1-based): chr2:178,534,911, C>T on the plus strand (G>A on the coding strand, the complement: TTN is on the minus strand). VCF-style: chr2-178534911-C-T. GRCh37 (hg19) VCF-style: chr2-179399638-C-T.
Other names: c.96781G>A, p.Glu32261Lys (NM_001256850.1); c.74509G>A, p.Glu24837Lys (NM_003319.4); c.94000G>A, p.Glu31334Lys (NM_133378.4); c.74884G>A, p.Glu24962Lys (NM_133432.3); c.75085G>A, p.Glu25029Lys (NM_133437.4); short protein forms E24837K, E24962K, E25029K, E31334K, E32261K, E33902K.
Identifiers: ClinVar variation 3755607 (VCV003755607.2).